The following is an entry in ClinVar:

ClinVar aggregate classification (germline): Uncertain significance (1 of 4 stars; one submission).

Conditions:
Aortic aneurysm, familial thoracic 4 (AAT4). Also called: AORTIC ANEURYSM/AORTIC DISSECTION AND PATENT DUCTUS ARTERIOSUS. Identifiers: MedGen C1851504, MONDO:0007568, OMIM 132900.

gnomAD v4.1: 1 of 1,614,228 alleles (0.000062%); highest among the groups gnomAD compares: East Asian, 0.0022%; no homozygotes.

Submission:

Labcorp Genetics (formerly Invitae), Labcorp
Classification: Uncertain significance for Aortic aneurysm, familial thoracic 4. Last evaluated: 2023-03-18. Review status: criteria provided, single submitter. Criteria: Invitae Variant Classification Sherloc (09022015). Collection method: clinical testing. Allele origin: germline.
Comment: In summary, the available evidence is currently insufficient to determine the role of this variant in disease. Therefore, it has been classified as a Variant of Uncertain Significance. Advanced modeling of protein sequence and biophysical properties (such as structural, functional, and spatial information, amino acid conservation, physicochemical variation, residue mobility, and thermodynamic stability) performed at Invitae indicates that this missense variant is not expected to disrupt MYH11 protein function. This variant has not been reported in the literature in individuals affected with MYH11-related conditions. This variant is present in population databases (no rsID available, gnomAD 0.006%). This sequence change replaces methionine, which is neutral and non-polar, with isoleucine, which is neutral and non-polar, at codon 672 of the MYH11 protein (p.Met672Ile).

NM_002474.3(MYH11):c.1995G>C (p.Met665Ile)

Gene: MYH11 (myosin heavy chain 11; minus strand). Cytogenetic location: 16p13.11.
Variant type: single nucleotide variant.
Coding change: c.1995G>C on transcript NM_002474.3 (MANE Select); coding-DNA position 1995, G replaced by C.
Protein change: p.Met665Ile; replaces methionine 665 with isoleucine.
Molecular consequence: missense variant.
Genome position (GRCh38, 1-based): chr16:15,750,201, C>G on the plus strand (G>C on the coding strand, the complement: MYH11 is on the minus strand). VCF-style: chr16-15750201-C-G. GRCh37 (hg19) VCF-style: chr16-15844058-C-G.
Other names: c.2016G>C, p.Met672Ile (NM_001040113.2, NM_001040114.2); c.1995G>C, p.Met665Ile (NM_022844.3); short protein forms M665I, M672I.
Identifiers: ClinVar variation 2716691 (VCV002716691.3), dbSNP rs1241527715, ClinGen allele CA394868952.